The following is an entry in ClinVar:

ClinVar aggregate classification (germline): Pathogenic (1 of 4 stars; one submission).

Submission:

Labcorp Genetics (formerly Invitae), Labcorp
Classification: Pathogenic. Last evaluated: 2025-12-21. Review status: criteria provided, single submitter. Criteria: Invitae Variant Classification Sherloc (09022015). Collection method: clinical testing. Allele origin: germline.
Comment: This sequence change creates a premature translational stop signal (p.Tyr41*) in the COL2A1 gene. It is expected to result in an absent or disrupted protein product. Loss-of-function variants in COL2A1 are known to be pathogenic (PMID: 20179744). This variant is not present in population databases (gnomAD no frequency). This premature translational stop signal has been observed in individual(s) with Stickler syndrome (PMID: 20513134). ClinVar contains an entry for this variant (Variation ID: 2137353). For these reasons, this variant has been classified as Pathogenic.

Literature cited by the submitters: PubMed 20179744; PubMed 20513134.

NM_001844.5(COL2A1):c.123T>A (p.Tyr41Ter)

Gene: COL2A1 (collagen type II alpha 1 chain; minus strand). Cytogenetic location: 12q13.11.
Variant type: single nucleotide variant.
Coding change: c.123T>A on transcript NM_001844.5 (MANE Select); coding-DNA position 123, T replaced by A.
Protein change: p.Tyr41Ter; replaces tyrosine 41 with a stop codon.
Molecular consequence: nonsense. On other transcripts: intron variant (1).
Genome position (GRCh38, 1-based): chr12:48,000,088, A>T on the plus strand (T>A on the coding strand, the complement: COL2A1 is on the minus strand). VCF-style: chr12-48000088-A-T. GRCh37 (hg19) VCF-style: chr12-48393871-A-T.
Other names: c.86-1657T>A (NM_033150.3); short protein forms Y41*.
Identifiers: ClinVar variation 2137353 (VCV002137353.4), dbSNP rs1226870134, ClinGen allele CA384526646.